The following is an entry in ClinVar:

ClinVar aggregate classification (germline): Uncertain significance. Review status: criteria provided, multiple submitters, no conflicts (2 of 4 stars). 2 submissions from 2 submitters: Uncertain significance (2). Last evaluated 2022-10-13.

Allele frequency attached by ClinVar (database versions not stated): gnomAD exomes below 0.00001.
gnomAD v4.1: 1 of 1,613,982 alleles (0.000062%); highest among the groups gnomAD compares: Non-Finnish European, 0.000085%; no homozygotes.

Submissions (2):

Blueprint Genetics
Classification: Uncertain significance. Last evaluated: 2022-10-13. Review status: criteria provided, single submitter. Criteria: ACMG Guidelines, 2015. Collection method: clinical testing. Allele origin: germline.

Laboratory for Molecular Medicine, Mass General Brigham Personalized Medicine
Classification: Uncertain significance. Last evaluated: 2016-10-25. Review status: criteria provided, single submitter. Criteria: LMM Criteria. Collection method: clinical testing. Allele origin: germline. Observed: 3 variant alleles.
Comment: Variant classified as Uncertain Significance - Favor Pathogenic. I t has not been identified in large population studies. Computational prediction tools and conservation analyses suggest that this variant may impact the protein , though this information is not predictive enough to determine pathogenicity. I n summary, while there is some suspicion for a pathogenic role, the clinical sig nificance of the p.Pro2079His variant is uncertain.

NM_005422.4(TECTA):c.6236C>A (p.Pro2079His)

Genes: TBCEL-TECTA (TBCEL-TECTA readthrough; plus strand), TECTA (tectorin alpha; plus strand). Cytogenetic location: 11q23.3.
Variant type: single nucleotide variant.
Coding change: c.6236C>A on transcript NM_005422.4 (MANE Select); coding-DNA position 6236, C replaced by A.
Protein change: p.Pro2079His; replaces proline 2079 with histidine.
Molecular consequence: missense variant.
Genome position (GRCh38, 1-based): chr11:121,189,153, C>A. VCF-style: chr11-121189153-C-A. GRCh37 (hg19) VCF-style: chr11-121059862-C-A.
Other names: c.7178C>A, p.Pro2393His (NM_001378761.1); short protein forms P2079H, P2393H.
Identifiers: ClinVar variation 505246 (VCV000505246.6), dbSNP rs1555132402, ClinGen allele CA383010054.